The following is an entry in ClinVar:

NM_017654.4(SAMD9):c.2907A>C (p.Lys969Asn)

Gene: SAMD9 (sterile alpha motif domain containing 9; minus strand). Cytogenetic location: 7q21.2.
Variant type: single nucleotide variant.
Coding change: c.2907A>C on transcript NM_017654.4 (MANE Select); coding-DNA position 2907, A replaced by C.
Protein change: p.Lys969Asn; replaces lysine 969 with asparagine.
Molecular consequence: missense variant.
Genome position (GRCh38, 1-based): chr7:93,103,191, T>G on the plus strand (A>C on the coding strand, the complement: SAMD9 is on the minus strand). VCF-style: chr7-93103191-T-G. GRCh37 (hg19) VCF-style: chr7-92732504-T-G.
Other names: c.2907A>C, p.Lys969Asn (NM_001193307.2); short protein forms K969N.
Identifiers: ClinVar variation 3892349 (VCV003892349.2).
Genomic context (GRCh38, chr7:93,103,191, plus strand): 5'-TGCAATCAAAGAGTGAATGATGCGTACTCCACAGTAGTTCCCACATTCGATGACCTCTGT[T>G]TTTATCAGAATTGTAGAGTAGGTGCCCATCTTGTCTTCAAATTTTTCTGTCCCCCAGAAA-3'
Protein context (NP_060124.2, residues 959-979): KMGTYSTILI[Lys969Asn]TEVIECGNYC

ClinVar aggregate classification (germline): Uncertain significance. Review status: criteria provided, multiple submitters, no conflicts (2 of 4 stars). 2 submissions from 2 submitters: Uncertain significance (2). Last evaluated 2025-11-04.

Conditions:
Normophosphatemic familial tumoral calcinosis. Also called: CALCINOSIS, TUMORAL, WITH NORMOPHOSPHATEMIA. Identifiers: Orphanet 306658, Orphanet 53715, MedGen C1864861, MONDO:0012502, OMIM 610455.
Monosomy 7 myelodysplasia and leukemia syndrome 2. Identifiers: MedGen C5436668, MONDO:0030801, OMIM 619041.
MIRAGE syndrome. Also called: MYELODYSPLASIA, INFECTION, RESTRICTION OF GROWTH, ADRENAL HYPOPLASIA, GENITAL PHENOTYPES, AND ENTEROPATHY. Identifiers: Orphanet 494433, MedGen C4284088, MONDO:0014888, OMIM 617053.

Submissions (2):

Labcorp Genetics (formerly Invitae), Labcorp
Classification: Uncertain significance. Last evaluated: 2025-11-04. Review status: criteria provided, single submitter. Criteria: Invitae Variant Classification Sherloc (09022015). Collection method: clinical testing. Allele origin: germline.
Comment: This sequence change replaces lysine, which is basic and polar, with asparagine, which is neutral and polar, at codon 969 of the SAMD9 protein (p.Lys969Asn). This variant is not present in population databases (gnomAD no frequency). This variant has not been reported in the literature in individuals affected with SAMD9-related conditions. ClinVar contains an entry for this variant (Variation ID: 3892349). Invitae Evidence Modeling of protein sequence and biophysical properties (such as structural, functional, and spatial information, amino acid conservation, physicochemical variation, residue mobility, and thermodynamic stability) indicates that this missense variant is not expected to disrupt SAMD9 protein function with a negative predictive value of 95%. In summary, the available evidence is currently insufficient to determine the role of this variant in disease. Therefore, it has been classified as a Variant of Uncertain Significance.

Department of Pathology and Laboratory Medicine, Sinai Health System
Classification: Uncertain significance for Normophosphatemic familial tumoral calcinosis; MIRAGE syndrome; Monosomy 7 myelodysplasia and leukemia syndrome 2. Last evaluated: 2021-07-30. Review status: criteria provided, single submitter. Criteria: ACMG Guidelines, 2015. Collection method: research. Allele origin: germline.